The following is an entry in ClinVar:

ClinVar aggregate classification (germline): Uncertain significance (1 of 4 stars; one submission).

Conditions:
Fragile X syndrome. Also called: MARKER X SYNDROME; MARTIN-BELL SYNDROME; MENTAL RETARDATION, X-LINKED, ASSOCIATED WITH marXq28; X-LINKED MENTAL RETARDATION AND MACROORCHIDISM; Fra(X) syndrome; Fragile X syndrome, type A. Identifiers: Orphanet 449291, Orphanet 908, MedGen C0016667, MONDO:0010383, OMIM 300624. Disease mechanism: loss of function.

Submission:

Dasa
Classification: Uncertain significance for Fragile X syndrome. Last evaluated: 2026-03-06. Review status: criteria provided, single submitter. Criteria: DASA Assertion Criteria. Collection method: clinical testing. Allele origin: germline.
Comment: NM_002024.6(FMR1):c.422G>A (p.Cys141Tyr) is a missense variant that results in the substitution of cysteine with tyrosine. This variant is absent from population databases. Computational prediction algorithms are consistent with a deleterious effect. The currently available literature and clinical evidence are not sufficient to establish a definitive association between this variant and the reported condition. Therefore, this variant is classified as a variant of uncertain significance.

NM_002024.6(FMR1):c.422G>A (p.Cys141Tyr)

Gene: FMR1 (fragile X messenger ribonucleoprotein 1; plus strand). Cytogenetic location: Xq27.3.
Variant type: single nucleotide variant.
Coding change: c.422G>A on transcript NM_002024.6 (MANE Select); coding-DNA position 422, G replaced by A.
Protein change: p.Cys141Tyr; replaces cysteine 141 with tyrosine.
Molecular consequence: missense variant. On other transcripts: non-coding transcript variant (2).
Genome position (GRCh38, 1-based): chrX:147,929,950, G>A. VCF-style: chrX-147929950-G-A. GRCh37 (hg19) VCF-style: chrX-147011469-G-A.
Other names: c.422G>A, p.Cys141Tyr (NM_001185075.2, NM_001185076.2, NM_001185081.2 and 1 more transcripts); short protein forms C141Y.
Identifiers: ClinVar variation 4882377 (VCV004882377.2).